The following is an entry in ClinVar:

ClinVar aggregate classification (germline): Benign/Likely benign. Review status: criteria provided, multiple submitters, no conflicts (2 of 4 stars). 4 submissions from 4 submitters: Benign (1); Likely benign (3). Last evaluated 2025-10-12.

Conditions:
Multiple endocrine neoplasia type 2A. Also called: MULTIPLE ENDOCRINE NEOPLASIA, TYPE IIA; PTC SYNDROME; SIPPLE SYNDROME; MEN 2A; MEN-2A syndrome; Pheochromocytoma and amyloid producing medullary thyroid carcinoma. Identifiers: Orphanet 247698, Orphanet 653, MedGen C0025268, MeSH D018813, MONDO:0008234, OMIM 171400.
Hereditary cancer-predisposing syndrome. Also called: Tumor predisposition; Hereditary Cancer Syndrome; Neoplastic Syndromes, Hereditary; Hereditary neoplastic syndrome. Identifiers: Orphanet 140162, MedGen C0027672, MeSH D009386, MONDO:0015356.
Multiple endocrine neoplasia, type 2 (MEN2). Identifiers: Orphanet 653, MedGen C4048306, MONDO:0019003. Disease mechanism: gain of function.

gnomAD v4.1: 2 of 1,611,628 alleles (0.00012%); highest among the groups gnomAD compares: Non-Finnish European, 0.00017%; no homozygotes.

Submissions (4):

Labcorp Genetics (formerly Invitae), Labcorp
Classification: Likely benign for Multiple endocrine neoplasia, type 2. Last evaluated: 2025-10-12. Review status: criteria provided, single submitter. Criteria: Invitae Variant Classification Sherloc (09022015). Collection method: clinical testing. Allele origin: germline.

Myriad Genetics, Inc.
Classification: Benign for Multiple endocrine neoplasia type 2A. Last evaluated: 2025-02-27. Review status: criteria provided, single submitter. Criteria: Myriad Autosomal Dominant, Autosomal Recessive and X-Linked Classification Criteria (2023). Collection method: clinical testing. Allele origin: unknown.
Comment: This variant is considered benign. This variant is a silent/synonymous amino acid change and it is not expected to impact splicing.

Sema4
Classification: Likely benign for Hereditary cancer-predisposing syndrome. Last evaluated: 2022-02-22. Review status: criteria provided, single submitter. Criteria: Sema4 Curation Guidelines. Collection method: curation. Allele origin: germline.

Ambry Genetics
Classification: Likely benign for Hereditary cancer-predisposing syndrome. Last evaluated: 2020-12-08. Review status: criteria provided, single submitter. Criteria: Ambry Variant Classification Scheme 2023. Collection method: clinical testing. Allele origin: germline.

NM_020975.6(RET):c.2448C>T (p.Leu816=)

Gene: RET (ret proto-oncogene; plus strand). Cytogenetic location: 10q11.21.
Variant type: single nucleotide variant.
Coding change: c.2448C>T on transcript NM_020975.6 (MANE Select); coding-DNA position 2448, C replaced by T.
Protein change: p.Leu816=; no amino-acid change (leucine 816 retained).
Molecular consequence: synonymous variant.
Genome position (GRCh38, 1-based): chr10:43,119,586, C>T. VCF-style: chr10-43119586-C-T. GRCh37 (hg19) VCF-style: chr10-43615034-C-T.
Other names: c.2448C>T, p.Leu816= (NM_000323.2, NM_001406743.1, NM_001406744.1 and 4 more transcripts); c.1686C>T, p.Leu562= (NM_001355216.2); c.2319C>T, p.Leu773= (NM_001406761.1, NM_001406762.1, NM_001406764.1); c.2313C>T, p.Leu771= (NM_001406763.1, NM_001406765.1); c.2160C>T, p.Leu720= (NM_001406766.1, NM_001406767.1, NM_001406770.1); c.2184C>T, p.Leu728= (NM_001406768.1); c.2052C>T, p.Leu684= (NM_001406769.1, NM_001406772.1); c.2010C>T, p.Leu670= (NM_001406771.1, NM_001406773.1); and 10 more.
Identifiers: ClinVar variation 1110826 (VCV001110826.13), dbSNP rs368500000, ClinGen allele CA469479834.